The following is an entry in ClinVar:

ClinVar aggregate classification (germline): Benign/Likely benign. Review status: criteria provided, multiple submitters, no conflicts (2 of 4 stars). 5 submissions from 5 submitters: Benign (1); Likely benign (4). Last evaluated 2026-02-01.

Allele frequency attached by ClinVar (database versions not stated): ESP Exome Variant Server 0.00015; gnomAD 0.00022 and 0.00025; TOPMed 0.00022; ExAC 0.00031.
gnomAD v4.1: 369 of 1,601,826 alleles (0.023%); highest among the groups gnomAD compares: Middle Eastern, 0.96%; 5 homozygotes.

Submissions (5):

Labcorp Genetics (formerly Invitae), Labcorp
Classification: Benign. Last evaluated: 2026-02-01. Review status: criteria provided, single submitter. Criteria: Invitae Variant Classification Sherloc (09022015). Collection method: clinical testing. Allele origin: germline.

Blueprint Genetics
Classification: Likely benign. Last evaluated: 2024-07-11. Review status: criteria provided, single submitter. Criteria: ACMG Guidelines, 2015. Collection method: clinical testing. Allele origin: germline.

CeGaT Center for Human Genetics Tuebingen
Classification: Likely benign. Last evaluated: 2023-09-01. Review status: criteria provided, single submitter. Criteria: CeGaT Center For Human Genetics Tuebingen Variant Classification Criteria Version 2. Collection method: clinical testing. Allele origin: germline. Affected: yes. Observed: 1 variant allele.
Comment: ERCC6L2: BP4

Genetic Services Laboratory, University of Chicago
Classification: Likely benign. Last evaluated: 2021-08-17. Review status: criteria provided, single submitter. Criteria: ACMG Guidelines, 2015. Collection method: clinical testing. Allele origin: germline. Affected: no.

Breakthrough Genomics
Classification: Likely benign. Review status: criteria provided, single submitter. Criteria: ACMG Guidelines, 2015. Collection method: not provided. Allele origin: germline. Inheritance: Autosomal recessive inheritance. Affected: yes.

NM_020207.7(ERCC6L2):c.789-4A>G

Gene: ERCC6L2 (ERCC excision repair 6 like 2; plus strand). Cytogenetic location: 9q22.32.
Variant type: single nucleotide variant.
Coding change: c.789-4A>G on transcript NM_020207.7 (MANE Select); 4 bases into the intron before coding-DNA position 789, A replaced by G.
Molecular consequence: intron variant.
Genome position (GRCh38, 1-based): chr9:95,915,664, A>G. VCF-style: chr9-95915664-A-G. GRCh37 (hg19) VCF-style: chr9-98677946-A-G.
Other names: c.789-4A>G (NM_001375291.1, NM_001375292.1, NM_001375294.1 and 2 more transcripts).
Identifiers: ClinVar variation 738405 (VCV000738405.39), dbSNP rs367808564, ClinGen allele CA5139389.